The following is an entry in ClinVar:

NM_001374353.1(GLI2):c.4183A>G (p.Thr1395Ala)

Gene: GLI2 (GLI family zinc finger 2; plus strand). Cytogenetic location: 2q14.2.
Variant type: single nucleotide variant.
Coding change: c.4183A>G on transcript NM_001374353.1 (MANE Select); coding-DNA position 4183, A replaced by G.
Protein change: p.Thr1395Ala; replaces threonine 1395 with alanine.
Molecular consequence: missense variant.
Genome position (GRCh38, 1-based): chr2:120,990,148, A>G. VCF-style: chr2-120990148-A-G. GRCh37 (hg19) VCF-style: chr2-121747724-A-G.
Other names: c.4234A>G, p.Thr1412Ala (NM_001371271.1, NM_005270.5); c.3808A>G, p.Thr1270Ala (NM_001374354.1); short protein forms T1395A, T1412A, T1270A.
Identifiers: ClinVar variation 2230828 (VCV002230828.3), dbSNP rs760060026, ClinGen allele CA1852571.

ClinVar aggregate classification (germline): Uncertain significance. Review status: criteria provided, multiple submitters, no conflicts (2 of 4 stars). 2 submissions from 2 submitters: Uncertain significance (2). Last evaluated 2026-05-11.

Conditions:
Inborn genetic diseases. Identifiers: MedGen C0950123, MeSH D030342.

Allele frequency attached by ClinVar (database versions not stated): gnomAD 0.00001; TOPMed below 0.00001; ExAC 0.00001.
gnomAD v4.1: 1 of 1,610,108 alleles (0.000062%); highest among the groups gnomAD compares: Non-Finnish European, 0.000085%; no homozygotes.

Submissions (2):

Women's Health and Genetics/Laboratory Corporation of America, LabCorp
Classification: Uncertain significance. Last evaluated: 2026-05-11. Review status: criteria provided, single submitter. Criteria: LabCorp Variant Classification Summary - May 2015. Collection method: clinical testing. Allele origin: germline.
Comment: Variant summary: GLI2 c.4234A>G (p.Thr1412Ala) results in a non-conservative amino acid change in the encoded protein sequence. Algorithms developed to predict the effect of missense changes on protein structure and function are either unavailable or do not agree on the potential impact of this missense change. The variant allele was found at a frequency of 4e-06 in 248068 control chromosomes. The available data on variant occurrences in the general population are insufficient to allow any conclusion about variant significance. To our knowledge, no occurrence of c.4234A>G in individuals affected with GLI2-related conditions and no experimental evidence demonstrating its impact on protein function have been reported. ClinVar contains an entry for this variant (Variation ID: 2230828). Based on the evidence outlined above, the variant was classified as uncertain significance.

Ambry Genetics
Classification: Uncertain significance for Inborn genetic diseases. Last evaluated: 2021-05-16. Review status: criteria provided, single submitter. Criteria: Ambry Variant Classification Scheme 2023. Collection method: clinical testing. Allele origin: germline.